The following is an entry in ClinVar:

ClinVar aggregate classification (germline): Conflicting classifications of pathogenicity. Review status: criteria provided, conflicting classifications (1 of 4 stars). 5 submissions from 5 submitters: Likely pathogenic (1); Uncertain significance (3). 1 of the submissions does not count toward it. Last evaluated 2026-09-02.

Conditions:
Cone-rod dystrophy 6 (CORD6). Also called: RETINAL CONE DYSTROPHY 2; Cone dystrophy progressive. Identifiers: Orphanet 1872, MedGen C1866293, MONDO:0011143, OMIM 601777.
Leber congenital amaurosis 1 (LCA1). Also called: RETINAL BLINDNESS, CONGENITAL; AMAUROSIS CONGENITA OF LEBER I; Congenital absence of the rods and cones; Leber's congenital tapetoretinal degeneration; Leber's congenital tapetoretinal dysplasia. Identifiers: Orphanet 65, MedGen C2931258, MONDO:0008764, OMIM 204000.
GUCY2D-related disorder. Also called: GUCY2D-related condition.
Cone dystrophy. Identifiers: Orphanet 1871, MedGen C0730290, MONDO:0000455.

Submissions (5):

PreventionGenetics, part of Exact Sciences
Classification: Uncertain significance for GUCY2D-related condition. Last evaluated: 2026-09-02. Review status: criteria provided, single submitter. Criteria: ACMG Guidelines, 2015. Collection method: clinical testing. Allele origin: germline.
Comment: The GUCY2D c.238_252del15 variant is predicted to result in an in-frame deletion (p.Ala80_Leu84del). This variant has been reported in the compound heterozygous state or with a second GUCY2D variant in an individual with cone dystrophy (Table S2, Carss et al. 2017. PubMed ID: 28041643; Table S3, Suga et al. 2022. PubMed ID: 36284460). This variant has also been reported in a cohort of individuals with inherited retinal disease (Table S1, Karali et al. 2022. PubMed ID: 36460718); however, additional information was not provided. This variant is reported in 0.083% of alleles in individuals of African descent in gnomAD. Although we suspect that this variant may be pathogenic, at this time, the clinical significance of this variant is uncertain due to the absence of conclusive functional and genetic evidence.

Women's Health and Genetics/Laboratory Corporation of America, LabCorp
Classification: Uncertain significance. Last evaluated: 2025-01-08. Review status: criteria provided, single submitter. Criteria: LabCorp Variant Classification Summary - May 2015. Collection method: clinical testing. Allele origin: germline.
Comment: Variant summary: GUCY2D c.238_252del15 (p.Ala80_Leu84del) results in an in-frame deletion that is predicted to remove five amino acids from the encoded protein. The variant allele was found at a frequency of 2.1e-05 in 93704 control chromosomes. c.238_252del15 has been reported in the literature in setting of WGS or WES in compound heterozygous individuals affected with cone/cone-rod dystrophy (e.g. Carss_2017, Liu_2020) or in at least one individual affected with an autosomal recessive inherited retinal disease without reported genotype (e.g. Karali_2022). These data indicate that the variant may be associated with disease. To our knowledge, no experimental evidence demonstrating an impact on protein function has been reported. The following publications have been ascertained in the context of this evaluation (PMID: 28041643, 36460718, 32821499). ClinVar contains an entry for this variant (Variation ID: 437979). Based on the evidence outlined above, the variant was classified as VUS-possibly pathogenic.

Labcorp Genetics (formerly Invitae), Labcorp
Classification: Uncertain significance for Leber congenital amaurosis 1; Cone-rod dystrophy 6. Last evaluated: 2024-08-28. Review status: criteria provided, single submitter. Criteria: Invitae Variant Classification Sherloc (09022015). Collection method: clinical testing. Allele origin: germline.
Comment: This variant, c.238_252del, results in the deletion of 5 amino acid(s) of the GUCY2D protein (p.Ala80_Leu84del), but otherwise preserves the integrity of the reading frame. This variant is present in population databases (no rsID available, gnomAD 0.09%). This variant has been observed in individual(s) with cone-rod dystrophy, inherited retinal disease, and/or Leber congenital amaurosis (PMID: 28041643, 32581362, 32821499, 36460718). In at least one individual the data is consistent with being in trans (on the opposite chromosome) from a pathogenic variant. ClinVar contains an entry for this variant (Variation ID: 437979). In summary, the available evidence is currently insufficient to determine the role of this variant in disease. Therefore, it has been classified as a Variant of Uncertain Significance.

Revvity Omics, Revvity
Classification: Likely pathogenic. Last evaluated: 2021-01-22. Review status: criteria provided, single submitter. Criteria: ACMG Guidelines, 2015. Collection method: clinical testing. Allele origin: germline.

NIHR Bioresource Rare Diseases, University of Cambridge
Classification: Likely pathogenic for Cone-rod dystrophy. Last evaluated: 2015-01-01. Review status: no assertion criteria provided. Collection method: research. Allele origin: unknown. Affected: yes. Observed: 1 variant allele. Not counted in ClinVar's aggregate classification.

Literature cited by the submitters: PubMed 28041643 (cited by 3 submitters); PubMed 36460718 (cited by Women's Health and Genetics/Laboratory Corporation of America, LabCorp and Labcorp Genetics (formerly Invitae), Labcorp); PubMed 32821499 (cited by Women's Health and Genetics/Laboratory Corporation of America, LabCorp and Labcorp Genetics (formerly Invitae), Labcorp); PubMed 32581362 (cited by Labcorp Genetics (formerly Invitae), Labcorp).

NM_000180.4(GUCY2D):c.238_252del (p.Ala80_Leu84del)

Gene: GUCY2D (guanylate cyclase 2D, retinal; plus strand). Cytogenetic location: 17p13.1.
Variant type: Deletion.
Coding change: c.238_252del on transcript NM_000180.4 (MANE Select); coding-DNA positions 238 to 252, 15 bases deleted (GCCGCCGCCCGCCTG).
Protein change: p.Ala80_Leu84del.
Molecular consequence: inframe deletion.
Genome position (GRCh38, 1-based): chr17:8,003,285-8,003,299, GCCGCCGCCCGCCTG deleted; deleting any 15 consecutive bases within chr17:8,003,273-8,003,299 gives the same sequence; the c. name uses the placement nearest the transcript's 3' end. VCF-style (leftmost placement, unchanged base first): chr17-8003272-GGCCGCCCGCCTGGCC-G. GRCh37 (hg19) VCF-style: chr17-7906590-GGCCGCCCGCCTGGCC-G.
Other names: c.238_252delGCCGCCGCCCGCCTG (NM_000180.3); c.238_252del15 (NM_000180.4).
Identifiers: ClinVar variation 437979 (VCV000437979.11), dbSNP rs952193754, ClinGen allele CA287523069.